The following is an entry in ClinVar:

NM_001849.4(COL6A2):c.2855C>T (p.Thr952Met)

Gene: COL6A2 (collagen type VI alpha 2 chain; plus strand). Cytogenetic location: 21q22.3.
Variant type: single nucleotide variant.
Coding change: c.2855C>T on transcript NM_001849.4 (MANE Select); coding-DNA position 2855, C replaced by T.
Protein change: p.Thr952Met; replaces threonine 952 with methionine.
Molecular consequence: missense variant.
Genome position (GRCh38, 1-based): chr21:46,132,347, C>T. VCF-style: chr21-46132347-C-T. GRCh37 (hg19) VCF-style: chr21-47552261-C-T.
Other names: short protein forms T952M.
Identifiers: ClinVar variation 850936 (VCV000850936.10), dbSNP rs147670858, ClinGen allele CA10073057.

ClinVar aggregate classification (germline): Uncertain significance (1 of 4 stars; one submission).

Conditions:
Bethlem myopathy 1A. Also called: MYOPATHY, BENIGN CONGENITAL, WITH CONTRACTURES; Bethlem myopathy 1; Bethlem Muscular Dystrophy. Identifiers: Orphanet 610, MedGen CN029274, MONDO:0024530, OMIM 158810.

Allele frequency attached by ClinVar (database versions not stated): ESP Exome Variant Server 0.00008; TOPMed 0.00006.
gnomAD v4.1: 136 of 1,608,314 alleles (0.0085%); highest among the groups gnomAD compares: Middle Eastern, 0.016%; 1 homozygote.

Submission:

Labcorp Genetics (formerly Invitae), Labcorp
Classification: Uncertain significance for Bethlem myopathy 1A. Last evaluated: 2025-07-06. Review status: criteria provided, single submitter. Criteria: Invitae Variant Classification Sherloc (09022015). Collection method: clinical testing. Allele origin: germline.
Comment: This sequence change replaces threonine, which is neutral and polar, with methionine, which is neutral and non-polar, at codon 952 of the COL6A2 protein (p.Thr952Met). This variant is present in population databases (rs147670858, gnomAD 0.07%). This missense change has been observed in individual(s) with clinical features of COL6A2-related conditions (internal data). ClinVar contains an entry for this variant (Variation ID: 850936). Invitae Evidence Modeling of protein sequence and biophysical properties (such as structural, functional, and spatial information, amino acid conservation, physicochemical variation, residue mobility, and thermodynamic stability) indicates that this missense variant is expected to disrupt COL6A2 protein function with a positive predictive value of 80%. In summary, the available evidence is currently insufficient to determine the role of this variant in disease. Therefore, it has been classified as a Variant of Uncertain Significance.